The following is an entry in ClinVar:

ClinVar aggregate classification (germline): Uncertain significance. Review status: criteria provided, multiple submitters, no conflicts (2 of 4 stars). 2 submissions from 2 submitters: Uncertain significance (2). Last evaluated 2024-01-11.

Conditions:
Hereditary cancer-predisposing syndrome. Also called: Tumor predisposition; Hereditary Cancer Syndrome; Hereditary neoplastic syndrome; Neoplastic Syndromes, Hereditary. Identifiers: Orphanet 140162, MedGen C0027672, MeSH D009386, MONDO:0015356.

Allele frequency attached by ClinVar (database versions not stated): gnomAD exomes below 0.00001; gnomAD 0.00001.
gnomAD v4.1: 3 of 1,610,108 alleles (0.00019%); highest among the groups gnomAD compares: Non-Finnish European, 0.00025%; no homozygotes.

Submissions (2):

Labcorp Genetics (formerly Invitae), Labcorp
Classification: Uncertain significance. Last evaluated: 2024-01-11. Review status: criteria provided, single submitter. Criteria: Invitae Variant Classification Sherloc (09022015). Collection method: clinical testing. Allele origin: germline.
Comment: This sequence change replaces leucine, which is neutral and non-polar, with glutamine, which is neutral and polar, at codon 134 of the NTHL1 protein (p.Leu134Gln). This variant is present in population databases (no rsID available, gnomAD 0.0009%). This variant has not been reported in the literature in individuals affected with NTHL1-related conditions. ClinVar contains an entry for this variant (Variation ID: 1467159). An algorithm developed to predict the effect of missense changes on protein structure and function (PolyPhen-2) suggests that this variant is likely to be disruptive. RNA analysis performed to evaluate the impact of this missense change on mRNA splicing indicates it does not significantly alter splicing (Invitae). In summary, the available evidence is currently insufficient to determine the role of this variant in disease. Therefore, it has been classified as a Variant of Uncertain Significance.

Ambry Genetics
Classification: Uncertain significance for Hereditary cancer-predisposing syndrome. Last evaluated: 2023-10-13. Review status: criteria provided, single submitter. Criteria: Ambry Variant Classification Scheme 2023. Collection method: clinical testing. Allele origin: germline.
Comment: The p.L134Q variant (also known as c.401T>A), located in coding exon 3 of the NTHL1 gene, results from a T to A substitution at nucleotide position 401. The leucine at codon 134 is replaced by glutamine, an amino acid with dissimilar properties. This amino acid position is conserved. In addition, this alteration is predicted to be deleterious by in silico analysis. Since supporting evidence is limited at this time, the clinical significance of this alteration remains unclear.

NM_002528.7(NTHL1):c.377T>A (p.Leu126Gln)

Gene: NTHL1 (nth like DNA glycosylase 1; minus strand). Cytogenetic location: 16p13.3.
Variant type: single nucleotide variant.
Coding change: c.377T>A on transcript NM_002528.7 (MANE Select); coding-DNA position 377, T replaced by A.
Protein change: p.Leu126Gln; replaces leucine 126 with glutamine.
Molecular consequence: missense variant. On other transcripts: intron variant (1).
Genome position (GRCh38, 1-based): chr16:2,044,778, A>T on the plus strand (T>A on the coding strand, the complement: NTHL1 is on the minus strand). VCF-style: chr16-2044778-A-T. GRCh37 (hg19) VCF-style: chr16-2094779-A-T.
Other names: c.47T>A, p.Leu16Gln (NM_001318194.2); c.355-1052T>A (NM_001318193.2); c.401T>A (NM_002528.5); short protein forms L126Q, L16Q.
Identifiers: ClinVar variation 1467159 (VCV001467159.7), dbSNP rs1366983655, ClinGen allele CA394294700.